The following is an entry in ClinVar:

NM_001080.3(ALDH5A1):c.959A>G (p.Asn320Ser)

Gene: ALDH5A1 (aldehyde dehydrogenase 5 family member A1; plus strand). Cytogenetic location: 6p22.3.
Variant type: single nucleotide variant.
Coding change: c.959A>G on transcript NM_001080.3 (MANE Select); coding-DNA position 959, A replaced by G.
Protein change: p.Asn320Ser; replaces asparagine 320 with serine.
Molecular consequence: missense variant.
Genome position (GRCh38, 1-based): chr6:24,520,489, A>G. VCF-style: chr6-24520489-A-G. GRCh37 (hg19) VCF-style: chr6-24520717-A-G.
Other names: c.815A>G, p.Asn272Ser (NM_001368954.1); c.998A>G, p.Asn333Ser (NM_170740.1); short protein forms N272S, N320S, N333S.
Identifiers: ClinVar variation 999851 (VCV000999851.9), dbSNP rs570262377, ClinGen allele CA3656803.

ClinVar aggregate classification (germline): Uncertain significance (1 of 4 stars; one submission).

Conditions:
Succinate-semialdehyde dehydrogenase deficiency (SSADHD). Also called: Succinic Semialdehyde Dehydrogenase Deficiency; SSADH DEFICIENCY; 4-HYDROXYBUTYRIC ACIDURIA; GABA METABOLIC DEFECT. Identifiers: Orphanet 22, MedGen C0268631, MONDO:0010083, OMIM 271980.

Allele frequency attached by ClinVar (database versions not stated): gnomAD below 0.00001 and 0.00002; gnomAD exomes 0.00001 and 0.00002; ExAC 0.00002; 1000 Genomes Project 0.00020; 1000 Genomes Project 30x 0.00031.

Submission:

Labcorp Genetics (formerly Invitae), Labcorp
Classification: Uncertain significance for Succinate-semialdehyde dehydrogenase deficiency. Last evaluated: 2025-04-14. Review status: criteria provided, single submitter. Criteria: Invitae Variant Classification Sherloc (09022015). Collection method: clinical testing. Allele origin: germline.
Comment: This sequence change replaces asparagine, which is neutral and polar, with serine, which is neutral and polar, at codon 320 of the ALDH5A1 protein (p.Asn320Ser). This variant is present in population databases (rs570262377, gnomAD 0.01%). This variant has not been reported in the literature in individuals affected with ALDH5A1-related conditions. ClinVar contains an entry for this variant (Variation ID: 999851). Invitae Evidence Modeling of protein sequence and biophysical properties (such as structural, functional, and spatial information, amino acid conservation, physicochemical variation, residue mobility, and thermodynamic stability) has been performed for this missense variant. However, the output from this modeling did not meet the statistical confidence thresholds required to predict the impact of this variant on ALDH5A1 protein function. In summary, the available evidence is currently insufficient to determine the role of this variant in disease. Therefore, it has been classified as a Variant of Uncertain Significance.